The following is an entry in ClinVar:

NM_000213.5(ITGB4):c.2986C>T (p.Gln996Ter)

Gene: ITGB4 (integrin subunit beta 4; plus strand). Cytogenetic location: 17q25.1.
Variant type: single nucleotide variant.
Coding change: c.2986C>T on transcript NM_000213.5 (MANE Select); coding-DNA position 2986, C replaced by T.
Protein change: p.Gln996Ter; replaces glutamine 996 with a stop codon.
Molecular consequence: nonsense.
Genome position (GRCh38, 1-based): chr17:75,743,736, C>T. VCF-style: chr17-75743736-C-T. GRCh37 (hg19) VCF-style: chr17-73739817-C-T.
Other names: c.2986C>T, p.Gln996Ter (NM_001005619.2, NM_001005731.3, NM_001321123.2); short protein forms Q996*.
Identifiers: ClinVar variation 402232 (VCV000402232.3), dbSNP rs772142634, ClinGen allele CA8769662.

ClinVar aggregate classification (germline): Likely pathogenic. Review status: criteria provided, multiple submitters, no conflicts (2 of 4 stars). 2 submissions from 2 submitters: Likely pathogenic (2). Last evaluated 2021-07-18.

Conditions:
Junctional epidermolysis bullosa with pyloric atresia. Also called: APLASIA CUTIS CONGENITA WITH GASTROINTESTINAL ATRESIA; CARMI SYNDROME; EB-PA-ACC; Epidermolysis bullosa, junctional, with pyloric atresia and aplasia cutis congenita; Epidermolysis bullosa junctionalis with pyloric atresia; ITGB4-Related Epidermolysis Bullosa with Pyloric Atresia. Identifiers: Orphanet 79403, MedGen C5676875, MONDO:0009183, OMIM 226730.

Allele frequency attached by ClinVar (database versions not stated): ExAC 0.00001; gnomAD exomes 0.00001.
gnomAD v4.1: 3 of 1,613,566 alleles (0.00019%); highest among the groups gnomAD compares: South Asian, 0.0033%; no homozygotes.

Submissions (2):

Genetics and Genomic Medicine Centre, NeuroGen Healthcare, NeuroGen Healthcare
Classification: Likely pathogenic for Junctional epidermolysis bullosa with pyloric atresia. Last evaluated: 2021-07-18. Review status: criteria provided, single submitter. Criteria: Submitter's publication. Collection method: clinical testing. Allele origin: unknown. Affected: no.

Knight Diagnostic Laboratories, Oregon Health and Sciences University
Classification: Likely pathogenic for Junctional epidermolysis bullosa with pyloric atresia. Last evaluated: 2016-01-27. Review status: criteria provided, single submitter. Criteria: ACMG Guidelines, 2015. Collection method: clinical testing. Allele origin: germline. Affected: no. Study: CSER-NextGen.
Comment: The c.2986C>T (p.Gln996*) nonsense variant in the ITGB4 gene is novel and has not been previously reported. This variant is predicted to cause a protein termination codon in exon 26 (out of a total of 40 exons in the coding sequence). Nonsense variants have been described in the ITGB4 gene in affected individuals and are, therefore, a common mechanism of disease. This variant is located upstream of four fibronectin domains, which are important for cellular interactions with the extracellular matrix, and thus, the truncated protein would lack these domains. This c.2986C>T has been reported at low frequency in the control population databases (Exome Sequencing Project [ESP] = NA, 1000 Genomes = NA, and ExAC = 0.006%). Multiple in silico algorithms predict this variant to be deleterious (CADD = 40; MutationTaster = Targeted for nonsense mediated decay, Protein Features Affected, Splice Site Changes). Therefore, this collective evidence supports the classification of the c.2986C>T (p.Gln996*) as a recessive Likely Pathogenic variant for Epidermolysis Bullosa Junctionalis with Pyloric Atresia.